The following is an entry in ClinVar:

NM_018127.7(ELAC2):c.560-18G>A

Gene: ELAC2 (elaC ribonuclease Z 2; minus strand). Cytogenetic location: 17p12.
Variant type: single nucleotide variant.
Coding change: c.560-18G>A on transcript NM_018127.7 (MANE Select); 18 bases into the intron before coding-DNA position 560, G replaced by A.
Molecular consequence: intron variant.
Genome position (GRCh38, 1-based): chr17:13,011,800, C>T on the plus strand (G>A on the coding strand, the complement: ELAC2 is on the minus strand). VCF-style: chr17-13011800-C-T. GRCh37 (hg19) VCF-style: chr17-12915117-C-T.
Other names: c.560-1129G>A (NM_001165962.2); c.560-18G>A (NM_173717.2).
Identifiers: ClinVar variation 2157949 (VCV002157949.4), dbSNP rs1479156985, ClinGen allele CA624916376.

ClinVar aggregate classification (germline): Uncertain significance (1 of 4 stars; one submission).

Conditions:
Combined oxidative phosphorylation defect type 17. Also called: Combined oxidative phosphorylation deficiency 17. Identifiers: Orphanet 369913, MedGen C3809526, MONDO:0014190, OMIM 615440.

Allele frequency attached by ClinVar (database versions not stated): gnomAD exomes below 0.00001; TOPMed 0.00002.
gnomAD v4.1: 3 of 1,614,092 alleles (0.00019%); highest among the groups gnomAD compares: Admixed American, 0.0017%; no homozygotes.

Submission:

Labcorp Genetics (formerly Invitae), Labcorp
Classification: Uncertain significance for Combined oxidative phosphorylation defect type 17. Last evaluated: 2022-07-27. Review status: criteria provided, single submitter. Criteria: Invitae Variant Classification Sherloc (09022015). Collection method: clinical testing. Allele origin: germline.
Comment: Algorithms developed to predict the effect of sequence changes on RNA splicing suggest that this variant may disrupt the consensus splice site. In summary, the available evidence is currently insufficient to determine the role of this variant in disease. Therefore, it has been classified as a Variant of Uncertain Significance. This variant has not been reported in the literature in individuals affected with ELAC2-related conditions. This variant is present in population databases (no rsID available, gnomAD 0.003%). This sequence change falls in intron 6 of the ELAC2 gene. It does not directly change the encoded amino acid sequence of the ELAC2 protein.